The following is an entry in ClinVar:

ClinVar aggregate classification (germline): Uncertain significance (1 of 4 stars; one submission).

gnomAD v4.1: 23 of 1,550,460 alleles (0.0015%); highest among the groups gnomAD compares: Non-Finnish European, 0.002%; no homozygotes.

Submission:

Labcorp Genetics (formerly Invitae), Labcorp
Classification: Uncertain significance. Last evaluated: 2024-04-15. Review status: criteria provided, single submitter. Criteria: Invitae Variant Classification Sherloc (09022015). Collection method: clinical testing. Allele origin: germline.
Comment: This sequence change replaces glutamic acid, which is acidic and polar, with lysine, which is basic and polar, at codon 2835 of the OTOG protein (p.Glu2835Lys). This variant is not present in population databases (gnomAD no frequency). This variant has not been reported in the literature in individuals affected with OTOG-related conditions. An algorithm developed to predict the effect of missense changes on protein structure and function (PolyPhen-2) suggests that this variant is likely to be disruptive. In summary, the available evidence is currently insufficient to determine the role of this variant in disease. Therefore, it has been classified as a Variant of Uncertain Significance.

NM_001292063.2(OTOG):c.8467G>A (p.Glu2823Lys)

Gene: OTOG (otogelin; plus strand). Cytogenetic location: 11p15.1.
Variant type: single nucleotide variant.
Coding change: c.8467G>A on transcript NM_001292063.2 (MANE Select); coding-DNA position 8467, G replaced by A.
Protein change: p.Glu2823Lys; replaces glutamic acid 2823 with lysine.
Molecular consequence: missense variant.
Genome position (GRCh38, 1-based): chr11:17,645,569, G>A. VCF-style: chr11-17645569-G-A. GRCh37 (hg19) VCF-style: chr11-17667116-G-A.
Other names: c.8503G>A, p.Glu2835Lys (NM_001277269.2); short protein forms E2823K, E2835K.
Identifiers: ClinVar variation 3622912 (VCV003622912.2).